The following is an entry in ClinVar:

ClinVar aggregate classification (germline): Conflicting classifications of pathogenicity. Review status: criteria provided, conflicting classifications (1 of 4 stars). 5 submissions from 5 submitters: Likely pathogenic (3); Uncertain significance (1). 1 of the submissions does not count toward it. Last evaluated 2026-09-23.

Conditions:
Bloom syndrome (BLM). Also called: Bloom-Torre-Machacek syndrome. Identifiers: Orphanet 125, MedGen C0005859, MONDO:0008876, OMIM 210900.
Hereditary cancer-predisposing syndrome. Also called: Tumor predisposition; Neoplastic Syndromes, Hereditary; Hereditary Cancer Syndrome; Hereditary neoplastic syndrome. Identifiers: Orphanet 140162, MedGen C0027672, MeSH D009386, MONDO:0015356.

Allele frequency attached by ClinVar (database versions not stated): gnomAD exomes below 0.00001.
gnomAD v4.1: 1 of 1,614,190 alleles (0.000062%); highest among the groups gnomAD compares: Non-Finnish European, 0.000085%; no homozygotes.

Submissions (5):

Myriad Genetics, Inc.
Classification: Likely pathogenic for Bloom syndrome. Last evaluated: 2026-09-23. Review status: criteria provided, single submitter. Criteria: Myriad Autosomal Dominant, Autosomal Recessive and X-Linked Classification Criteria (2023). Collection method: clinical testing. Allele origin: unknown.
Comment: This variant is considered likely pathogenic. This variant occurs within a consensus splice junction and is predicted to result in abnormal mRNA splicing of either an out-of-frame exon or an in-frame exon necessary for protein stability and/or normal function.

Ambry Genetics
Classification: Uncertain significance for Hereditary cancer-predisposing syndrome. Last evaluated: 2024-11-05. Review status: criteria provided, single submitter. Criteria: Ambry Variant Classification Scheme 2023. Collection method: clinical testing. Allele origin: germline.
Comment: The c.3874+2T>C intronic variant results from a T to C substitution two nucleotides after coding exon 19 in the BLM gene. This nucleotide position is highly conserved in available vertebrate species. In silico splice site analysis predicts that this alteration will weaken the native splice donor site however, direct evidence is insufficient at this time (Ambry internal data). Alterations that disrupt the canonical splice site are expected to cause aberrant splicing, resulting in an abnormal protein or a transcript that is subject to nonsense-mediated mRNA decay; however, +2T>C alterations are capable of generating wild-type transcripts in some genomic contexts and should be interpreted with caution (Lin JH et al. Hum Mutat. 2019 10;40:1856-1873). Based on the available evidence, the clinical significance of this alteration remains unclear.

Labcorp Genetics (formerly Invitae), Labcorp
Classification: Likely pathogenic for Bloom syndrome. Last evaluated: 2023-08-22. Review status: criteria provided, single submitter. Criteria: Invitae Variant Classification Sherloc (09022015). Collection method: clinical testing. Allele origin: germline.
Comment: In summary, the currently available evidence indicates that the variant is pathogenic, but additional data are needed to prove that conclusively. Therefore, this variant has been classified as Likely Pathogenic. Algorithms developed to predict the effect of sequence changes on RNA splicing suggest that this variant may disrupt the consensus splice site. ClinVar contains an entry for this variant (Variation ID: 550389). This variant has not been reported in the literature in individuals affected with BLM-related conditions. This variant is not present in population databases (gnomAD no frequency). This sequence change affects a donor splice site in intron 20 of the BLM gene. It is expected to disrupt RNA splicing. Variants that disrupt the donor or acceptor splice site typically lead to a loss of protein function (PMID: 16199547), and loss-of-function variants in BLM are known to be pathogenic (PMID: 17407155).

Baylor Genetics
Classification: Likely pathogenic for Bloom syndrome. Last evaluated: 2023-04-12. Review status: criteria provided, single submitter. Criteria: ACMG Guidelines, 2015. Collection method: clinical testing. Allele origin: unknown.

Counsyl
Classification: Likely pathogenic for Bloom syndrome. Last evaluated: 2017-01-24. Review status: no assertion criteria provided. Collection method: clinical testing. Allele origin: unknown. Not counted in ClinVar's aggregate classification.

Literature cited by the submitters: PubMed 16199547 (cited by Labcorp Genetics (formerly Invitae), Labcorp); PubMed 17407155 (cited by Labcorp Genetics (formerly Invitae), Labcorp).

NM_000057.4(BLM):c.3874+2T>C

Gene: BLM (BLM RecQ like helicase; plus strand). Cytogenetic location: 15q26.1.
Variant type: single nucleotide variant.
Coding change: c.3874+2T>C on transcript NM_000057.4 (MANE Select); the canonical splice donor site of the intron after coding-DNA position 3874, T replaced by C.
Molecular consequence: splice donor variant.
Genome position (GRCh38, 1-based): chr15:90,809,261, T>C. VCF-style: chr15-90809261-T-C. GRCh37 (hg19) VCF-style: chr15-91352491-T-C.
Other names: c.3874+2T>C (NM_001287246.2); c.2749+2T>C (NM_001287248.2); c.3481+2T>C (NM_001287247.2).
Identifiers: ClinVar variation 550389 (VCV000550389.14), dbSNP rs1555424890, ClinGen allele CA393849854.